The following is an entry in ClinVar:

ClinVar aggregate classification (germline): Uncertain significance (1 of 4 stars; one submission).

Conditions:
RYR1-related disorder. Also called: RYR1-related condition; RYR1-related disorders. Identifiers: MedGen CN239331.

gnomAD v4.1: 5 of 1,612,492 alleles (0.00031%); highest among the groups gnomAD compares: Middle Eastern, 0.016%; no homozygotes.

Submission:

Labcorp Genetics (formerly Invitae), Labcorp
Classification: Uncertain significance for RYR1-related disorder. Last evaluated: 2025-04-21. Review status: criteria provided, single submitter. Criteria: Invitae Variant Classification Sherloc (09022015). Collection method: clinical testing. Allele origin: germline.
Comment: This sequence change replaces arginine, which is basic and polar, with cysteine, which is neutral and slightly polar, at codon 2588 of the RYR1 protein (p.Arg2588Cys). This variant is present in population databases (rs745885315, gnomAD 0.006%). This variant has not been reported in the literature in individuals affected with RYR1-related conditions. ClinVar contains an entry for this variant (Variation ID: 1518478). Invitae Evidence Modeling of protein sequence and biophysical properties (such as structural, functional, and spatial information, amino acid conservation, physicochemical variation, residue mobility, and thermodynamic stability) has been performed for this missense variant. However, the output from this modeling did not meet the statistical confidence thresholds required to predict the impact of this variant on RYR1 protein function. In summary, the available evidence is currently insufficient to determine the role of this variant in disease. Therefore, it has been classified as a Variant of Uncertain Significance.

NM_000540.3(RYR1):c.7762C>T (p.Arg2588Cys)

Gene: RYR1 (ryanodine receptor 1; plus strand). Cytogenetic location: 19q13.2.
Variant type: single nucleotide variant.
Coding change: c.7762C>T on transcript NM_000540.3 (MANE Select); coding-DNA position 7762, C replaced by T.
Protein change: p.Arg2588Cys; replaces arginine 2588 with cysteine.
Molecular consequence: missense variant.
Genome position (GRCh38, 1-based): chr19:38,502,654, C>T. VCF-style: chr19-38502654-C-T. GRCh37 (hg19) VCF-style: chr19-38993294-C-T.
Other names: c.7762C>T, p.Arg2588Cys (NM_001042723.2); short protein forms R2588C.
Identifiers: ClinVar variation 1518478 (VCV001518478.6), dbSNP rs745885315, ClinGen allele CA070179.